The following is an entry in ClinVar:

ClinVar aggregate classification (germline): Uncertain significance (1 of 4 stars; one submission).

Allele frequency attached by ClinVar (database versions not stated): gnomAD exomes below 0.00001.
gnomAD v4.1: 1 of 1,614,102 alleles (0.000062%); highest among the groups gnomAD compares: Middle Eastern, 0.016%; no homozygotes.

Submission:

Labcorp Genetics (formerly Invitae), Labcorp
Classification: Uncertain significance. Last evaluated: 2025-03-03. Review status: criteria provided, single submitter. Criteria: Invitae Variant Classification Sherloc (09022015). Collection method: clinical testing. Allele origin: germline.
Comment: This sequence change creates a premature translational stop signal (p.Gln109*) in the LAMTOR2 gene. While this is not anticipated to result in nonsense mediated decay, it is expected to disrupt the last 17 amino acid(s) of the LAMTOR2 protein. This variant is not present in population databases (gnomAD no frequency). This variant has not been reported in the literature in individuals affected with LAMTOR2-related conditions. ClinVar contains an entry for this variant (Variation ID: 2817077). Experimental studies and prediction algorithms are not available or were not evaluated, and the functional significance of this variant is currently unknown. In summary, the available evidence is currently insufficient to determine the role of this variant in disease. Therefore, it has been classified as a Variant of Uncertain Significance.

NM_014017.4(LAMTOR2):c.325C>T (p.Gln109Ter)

Gene: LAMTOR2 (late endosomal/lysosomal adaptor, MAPK and MTOR activator 2; plus strand). Cytogenetic location: 1q22.
Variant type: single nucleotide variant.
Coding change: c.325C>T on transcript NM_014017.4 (MANE Select); coding-DNA position 325, C replaced by T.
Protein change: p.Gln109Ter; replaces glutamine 109 with a stop codon.
Molecular consequence: nonsense.
Genome position (GRCh38, 1-based): chr1:156,058,318, C>T. VCF-style: chr1-156058318-C-T. GRCh37 (hg19) VCF-style: chr1-156028109-C-T.
Other names: c.235C>T, p.Gln79Ter (NM_001145264.2); short protein forms Q109*, Q79*.
Identifiers: ClinVar variation 2817077 (VCV002817077.3), dbSNP rs2527696254, ClinGen allele CA342816439.